The following is an entry in ClinVar:

ClinVar aggregate classification (germline): Uncertain significance. Review status: criteria provided, multiple submitters, no conflicts (2 of 4 stars). 3 submissions from 3 submitters: Uncertain significance (3). Last evaluated 2025-12-04.

Allele frequency attached by ClinVar (database versions not stated): ExAC 0.00007; gnomAD exomes 0.00013 and 0.00030; gnomAD 0.00019 and 0.00022; TOPMed 0.00020.
gnomAD v4.1: 464 of 1,614,130 alleles (0.029%); highest among the groups gnomAD compares: Non-Finnish European, 0.037%; no homozygotes.

Submissions (3):

Labcorp Genetics (formerly Invitae), Labcorp
Classification: Uncertain significance. Last evaluated: 2025-12-04. Review status: criteria provided, single submitter. Criteria: Invitae Variant Classification Sherloc (09022015). Collection method: clinical testing. Allele origin: germline.
Comment: This sequence change replaces proline, which is neutral and non-polar, with serine, which is neutral and polar, at codon 89 of the RNF31 protein (p.Pro89Ser). This variant is present in population databases (rs200013003, gnomAD 0.03%). This variant has not been reported in the literature in individuals affected with RNF31-related conditions. ClinVar contains an entry for this variant (Variation ID: 1422694). An algorithm developed to predict the effect of missense changes on protein structure and function (PolyPhen-2) suggests that this variant is likely to be disruptive. In summary, the available evidence is currently insufficient to determine the role of this variant in disease. Therefore, it has been classified as a Variant of Uncertain Significance.

Blueprint Genetics
Classification: Uncertain significance. Last evaluated: 2024-11-06. Review status: criteria provided, single submitter. Criteria: ACMG Guidelines, 2015. Collection method: clinical testing. Allele origin: germline.

Ambry Genetics
Classification: Uncertain significance. Last evaluated: 2021-08-09. Review status: criteria provided, single submitter. Criteria: Ambry Variant Classification Scheme 2023. Collection method: clinical testing. Allele origin: germline.

NM_017999.5(RNF31):c.265C>T (p.Pro89Ser)

Gene: RNF31 (ring finger protein 31; plus strand). Cytogenetic location: 14q12.
Variant type: single nucleotide variant.
Coding change: c.265C>T on transcript NM_017999.5 (MANE Select); coding-DNA position 265, C replaced by T.
Protein change: p.Pro89Ser; replaces proline 89 with serine.
Molecular consequence: missense variant. On other transcripts: 5 prime UTR variant (1).
Genome position (GRCh38, 1-based): chr14:24,148,048, C>T. VCF-style: chr14-24148048-C-T. GRCh37 (hg19) VCF-style: chr14-24617257-C-T.
Other names: c.-253C>T (NM_001310332.2); c.265C>T (NM_017999.4); short protein forms P89S.
Identifiers: ClinVar variation 1422694 (VCV001422694.8), dbSNP rs200013003, ClinGen allele CA7125402.